The following is an entry in ClinVar:

ClinVar aggregate classification (germline): Uncertain significance (1 of 4 stars; one submission).

Conditions:
Tuberous sclerosis 2 (TSC2). Identifiers: Orphanet 805, MedGen C1860707, MONDO:0013199, OMIM 613254.

gnomAD v4.1: 1 of 1,605,154 alleles (0.000062%); highest among the groups gnomAD compares: Non-Finnish European, 0.000085%; no homozygotes.

Submission:

Labcorp Genetics (formerly Invitae), Labcorp
Classification: Uncertain significance for Tuberous sclerosis 2. Last evaluated: 2021-09-15. Review status: criteria provided, single submitter. Criteria: Invitae Variant Classification Sherloc (09022015). Collection method: clinical testing. Allele origin: germline.
Comment: In summary, the available evidence is currently insufficient to determine the role of this variant in disease. Therefore, it has been classified as a Variant of Uncertain Significance. Algorithms developed to predict the effect of missense changes on protein structure and function are either unavailable or do not agree on the potential impact of this missense change (SIFT: "Deleterious"; PolyPhen-2: "Probably Damaging"; Align-GVGD: "Class C0"). This variant has not been reported in the literature in individuals affected with TSC2-related conditions. This variant is not present in population databases (ExAC no frequency). This sequence change replaces arginine with serine at codon 1688 of the TSC2 protein (p.Arg1688Ser). The arginine residue is highly conserved and there is a moderate physicochemical difference between arginine and serine.

NM_000548.5(TSC2):c.5064G>T (p.Arg1688Ser)

Gene: TSC2 (TSC complex subunit 2; plus strand). Cytogenetic location: 16p13.3.
Variant type: single nucleotide variant.
Coding change: c.5064G>T on transcript NM_000548.5 (MANE Select); coding-DNA position 5064, G replaced by T.
Protein change: p.Arg1688Ser; replaces arginine 1688 with serine.
Molecular consequence: missense variant.
Genome position (GRCh38, 1-based): chr16:2,087,937, G>T. VCF-style: chr16-2087937-G-T. GRCh37 (hg19) VCF-style: chr16-2137938-G-T.
Other names: c.4863G>T, p.Arg1621Ser (NM_001077183.3); c.4995G>T, p.Arg1665Ser (NM_001114382.3); c.4755G>T, p.Arg1585Ser (NM_001318827.2); c.4719G>T, p.Arg1573Ser (NM_001318829.2); c.4332G>T, p.Arg1444Ser (NM_001318831.2); c.4896G>T, p.Arg1632Ser (NM_001318832.2); c.4866G>T, p.Arg1622Ser (NM_001363528.2); c.4932G>T, p.Arg1644Ser (NM_001370404.1); and 1 more; short protein forms R1688S, R1444S, R1573S, R1644S, R1645S, R1585S, R1621S, R1665S.
Identifiers: ClinVar variation 1434397 (VCV001434397.6), dbSNP rs374476631, ClinGen allele CA394311700.
Genomic context (GRCh38, chr16:2,087,937, plus strand): 5'-TGTCCACGTGATCGTCACCCCGCTGGACTACGAGTGCAACCTGGTGTCCCTGCAGTGCAG[G>T]AAAGGTAGGGCCGGGTGGGGCCCTGCAGTGCAGGAAAGGTAGGGCCGGGTGGGGCCCTGC-3'
Protein context (NP_000539.2, residues 1678-1698): YECNLVSLQC[Arg1688Ser]KDMEGLVDTS